The following is an entry in ClinVar:

NM_015021.3(ZNF292):c.7021T>A (p.Leu2341Ile)

Gene: ZNF292 (zinc finger protein 292; plus strand). Cytogenetic location: 6q14.3.
Variant type: single nucleotide variant.
Coding change: c.7021T>A on transcript NM_015021.3 (MANE Select); coding-DNA position 7021, T replaced by A.
Protein change: p.Leu2341Ile; replaces leucine 2341 with isoleucine.
Molecular consequence: missense variant.
Genome position (GRCh38, 1-based): chr6:87,260,650, T>A. VCF-style: chr6-87260650-T-A. GRCh37 (hg19) VCF-style: chr6-87970368-T-A.
Other names: c.6601T>A, p.Leu2201Ile (NM_001351444.2); short protein forms L2201I, L2341I.
Identifiers: ClinVar variation 1676475 (VCV001676475.3), dbSNP rs1270393952, ClinGen allele CA364942345.

ClinVar aggregate classification (germline): Uncertain significance (1 of 4 stars; one submission).

gnomAD v4.1: 3 of 1,611,956 alleles (0.00019%); highest among the groups gnomAD compares: African/African-American, 0.0013%; no homozygotes.

Submission:

Greenwood Genetic Center Diagnostic Laboratories, Greenwood Genetic Center
Classification: Uncertain significance. Last evaluated: 2022-03-09. Review status: criteria provided, single submitter. Criteria: ACMG Guidelines, 2015. Collection method: clinical testing. Allele origin: germline. Affected: yes.
Comment: PM2